The following is an entry in ClinVar:

ClinVar aggregate classification (germline): Uncertain significance. Review status: criteria provided, multiple submitters, no conflicts (2 of 4 stars). 2 submissions from 2 submitters: Uncertain significance (2). Last evaluated 2024-03-12.

Allele frequency attached by ClinVar (database versions not stated): TOPMed below 0.00001; gnomAD 0.00001; gnomAD exomes 0.00001 and 0.00004; ExAC 0.00004; 1000 Genomes Project 30x 0.00016; 1000 Genomes Project 0.00020.
gnomAD v4.1: 12 of 1,613,818 alleles (0.00074%); highest among the groups gnomAD compares: East Asian, 0.027%; no homozygotes.

Submissions (2):

Ambry Genetics
Classification: Uncertain significance. Last evaluated: 2024-03-12. Review status: criteria provided, single submitter. Criteria: Ambry Variant Classification Scheme 2023. Collection method: clinical testing. Allele origin: germline.

Labcorp Genetics (formerly Invitae), Labcorp
Classification: Uncertain significance. Last evaluated: 2023-01-26. Review status: criteria provided, single submitter. Criteria: Invitae Variant Classification Sherloc (09022015). Collection method: clinical testing. Allele origin: germline.
Comment: This variant is present in population databases (rs190385867, gnomAD 0.05%). In summary, the available evidence is currently insufficient to determine the role of this variant in disease. Therefore, it has been classified as a Variant of Uncertain Significance. Algorithms developed to predict the effect of missense changes on protein structure and function are either unavailable or do not agree on the potential impact of this missense change (SIFT: "Tolerated"; PolyPhen-2: "Probably Damaging"; Align-GVGD: "Class C0"). ClinVar contains an entry for this variant (Variation ID: 1471829). This variant has not been reported in the literature in individuals affected with SPPL2A-related conditions. This sequence change replaces aspartic acid, which is acidic and polar, with tyrosine, which is neutral and polar, at codon 40 of the SPPL2A protein (p.Asp40Tyr).

NM_032802.4(SPPL2A):c.118G>T (p.Asp40Tyr)

Gene: SPPL2A (signal peptide peptidase like 2A; minus strand). Cytogenetic location: 15q21.2.
Variant type: single nucleotide variant.
Coding change: c.118G>T on transcript NM_032802.4 (MANE Select); coding-DNA position 118, G replaced by T.
Protein change: p.Asp40Tyr; replaces aspartic acid 40 with tyrosine.
Molecular consequence: missense variant.
Genome position (GRCh38, 1-based): chr15:50,749,695, C>A on the plus strand (G>T on the coding strand, the complement: SPPL2A is on the minus strand). VCF-style: chr15-50749695-C-A. GRCh37 (hg19) VCF-style: chr15-51041892-C-A.
Other names: c.118G>T (NM_032802.3); short protein forms D40Y.
Identifiers: ClinVar variation 1471829 (VCV001471829.9), dbSNP rs190385867, ClinGen allele CA7558571.